The following is an entry in ClinVar:

NM_147127.5(EVC2):c.519+2T>G

Gene: EVC2 (EvC ciliary complex subunit 2; minus strand). Cytogenetic location: 4p16.2.
Variant type: single nucleotide variant.
Coding change: c.519+2T>G on transcript NM_147127.5 (MANE Select); the canonical splice donor site of the intron after coding-DNA position 519, T replaced by G.
Molecular consequence: splice donor variant.
Genome position (GRCh38, 1-based): chr4:5,691,263, A>C on the plus strand (T>G on the coding strand, the complement: EVC2 is on the minus strand). VCF-style: chr4-5691263-A-C. GRCh37 (hg19) VCF-style: chr4-5692990-A-C.
Other names: c.279+2T>G (NM_001166136.2).
Identifiers: ClinVar variation 2042845 (VCV002042845.4), dbSNP rs1721102486, ClinGen allele CA356149720.

ClinVar aggregate classification (germline): Pathogenic (1 of 4 stars; one submission).

Conditions:
Ellis-van Creveld syndrome (EVC). Also called: MESOECTODERMAL DYSPLASIA; EVC-Related Ellis-van Creveld Syndrome; EVC2-Related Ellis-van Creveld Syndrome; Chondroectodermal dysplasia. Identifiers: Orphanet 289, MedGen C0013903, MONDO:0009162, OMIM 225500.
Curry-Hall syndrome (WAD). Also called: WEYERS ACRODENTAL DYSOSTOSIS. Identifiers: Orphanet 952, MedGen C0457013, MONDO:0008673, OMIM 193530.

gnomAD v4.1: 2 of 1,612,974 alleles (0.00012%); highest among the groups gnomAD compares: Non-Finnish European, 0.00017%; no homozygotes.

Submission:

Labcorp Genetics (formerly Invitae), Labcorp
Classification: Pathogenic for Curry-Hall syndrome; Ellis-van Creveld syndrome. Last evaluated: 2021-12-14. Review status: criteria provided, single submitter. Criteria: Invitae Variant Classification Sherloc (09022015). Collection method: clinical testing. Allele origin: germline.
Comment: Algorithms developed to predict the effect of sequence changes on RNA splicing suggest that this variant may disrupt the consensus splice site. Disruption of this splice site has been observed in individuals with Ellis-van Creveld syndrome (PMID: 17024374; Invitae). This variant is not present in population databases (gnomAD no frequency). This sequence change affects a donor splice site in intron 4 of the EVC2 gene. It is expected to disrupt RNA splicing. Variants that disrupt the donor or acceptor splice site typically lead to a loss of protein function (PMID: 16199547), and loss-of-function variants in EVC2 are known to be pathogenic (PMID: 17024374, 19810119, 19876929). For these reasons, this variant has been classified as Pathogenic.

Literature cited by the submitters: PubMed 17024374; PubMed 16199547; PubMed 19810119; PubMed 19876929.